The following is an entry in ClinVar:

ClinVar aggregate classification (germline): Benign/Likely benign. Review status: criteria provided, multiple submitters, no conflicts (2 of 4 stars). 2 submissions from 2 submitters: Benign (1); Likely benign (1). Last evaluated 2025-03-18.

Conditions:
Juvenile polyposis/hereditary hemorrhagic telangiectasia syndrome (JPHT). Also called: JP/HHT SYNDROME; JUVENILE POLYPOSIS WITH HEREDITARY HEMORRHAGIC TELANGIECTASIA; POLYPOSIS, GENERALIZED JUVENILE, WITH PULMONARY ARTERIOVENOUS MALFORMATION; TELANGIECTASIA, HEREDITARY HEMORRHAGIC, WITH JUVENILE POLYPOSIS COLI; Juvenile Polyposis Syndrome / Hereditary Hemorrhagic Telangiectasia (JPS/HHT). Identifiers: Orphanet 2929, MedGen C1832942, MONDO:0008278, OMIM 175050.
Juvenile polyposis syndrome (JPS). Identifiers: Orphanet 2929, MedGen C0345893, MONDO:0017380, OMIM 174900.

Submissions (2):

Myriad Genetics, Inc.
Classification: Benign for Juvenile polyposis/hereditary hemorrhagic telangiectasia syndrome. Last evaluated: 2025-03-18. Review status: criteria provided, single submitter. Criteria: Myriad Autosomal Dominant, Autosomal Recessive and X-Linked Classification Criteria (2023). Collection method: clinical testing. Allele origin: unknown.
Comment: This variant is considered benign. This variant is a silent/synonymous amino acid change, and it is not expected to impact splicing.

Labcorp Genetics (formerly Invitae), Labcorp
Classification: Likely benign for Juvenile polyposis syndrome. Last evaluated: 2022-09-02. Review status: criteria provided, single submitter. Criteria: Invitae Variant Classification Sherloc (09022015). Collection method: clinical testing. Allele origin: germline.

NM_005359.6(SMAD4):c.270T>C (p.Phe90=)

Gene: SMAD4 (SMAD family member 4; plus strand). Cytogenetic location: 18q21.2.
Variant type: single nucleotide variant.
Coding change: c.270T>C on transcript NM_005359.6 (MANE Select); coding-DNA position 270, T replaced by C.
Protein change: p.Phe90=; no amino-acid change (phenylalanine 90 retained).
Molecular consequence: synonymous variant. On other transcripts: non-coding transcript variant (2).
Genome position (GRCh38, 1-based): chr18:51,048,706, T>C. VCF-style: chr18-51048706-T-C. GRCh37 (hg19) VCF-style: chr18-48575076-T-C.
Other names: c.270T>C, p.Phe90= (NM_001407041.1, NM_001407042.1, NM_001407043.1).
Identifiers: ClinVar variation 2028407 (VCV002028407.5), dbSNP rs2511369302, ClinGen allele CA503873549.